The following is an entry in ClinVar:

NM_001605.3(AARS1):c.2837G>T (p.Gly946Val)

Gene: AARS1 (alanyl-tRNA synthetase 1; minus strand). Cytogenetic location: 16q22.1.
Variant type: single nucleotide variant.
Coding change: c.2837G>T on transcript NM_001605.3 (MANE Select); coding-DNA position 2837, G replaced by T.
Protein change: p.Gly946Val; replaces glycine 946 with valine.
Molecular consequence: missense variant.
Genome position (GRCh38, 1-based): chr16:70,252,791, C>A on the plus strand (G>T on the coding strand, the complement: AARS1 is on the minus strand). VCF-style: chr16-70252791-C-A. GRCh37 (hg19) VCF-style: chr16-70286694-C-A.
Other names: short protein forms G946V.
Identifiers: ClinVar variation 2781079 (VCV002781079.9), dbSNP rs746908178, ClinGen allele CA8140260.
Genomic context (GRCh38, chr16:70,252,791, plus strand): 5'-ACATCCCCGAGGCGCAGCTGGGCGAAGGAAGTGGCCAGCTGCAGCGCCTCCTGCAGGCAG[C>A]CAACGTTCTTGCCTGTGGCCTGTGCAGACACATCCTTGCCACCACCTTTACCGTCCATCA-3'
Protein context (NP_001596.2, residues 936-956): VSAQATGKNV[Gly946Val]CLQEALQLAT

ClinVar aggregate classification (germline): Uncertain significance. Review status: criteria provided, multiple submitters, no conflicts (2 of 4 stars). 2 submissions from 2 submitters: Uncertain significance (2). Last evaluated 2025-11-01.

Conditions:
Charcot-Marie-Tooth disease type 2. Also called: Charcot-Marie-Tooth type 2. Identifiers: Orphanet 64746, MedGen C0270914, MONDO:0018993.

Allele frequency attached by ClinVar (database versions not stated): gnomAD exomes below 0.00001; ExAC 0.00001.
gnomAD v4.1: 3 of 1,614,182 alleles (0.00019%); highest among the groups gnomAD compares: Non-Finnish European, 0.00025%; no homozygotes.

Submissions (2):

CeGaT Center for Human Genetics Tuebingen
Classification: Uncertain significance. Last evaluated: 2025-11-01. Review status: criteria provided, single submitter. Criteria: CeGaT Center For Human Genetics Tuebingen Variant Classification Criteria Version 2. Collection method: clinical testing. Allele origin: germline. Affected: yes. Observed: 1 variant allele.
Comment: AARS1: PM2, BP4

Labcorp Genetics (formerly Invitae), Labcorp
Classification: Uncertain significance for Charcot-Marie-Tooth disease type 2. Last evaluated: 2023-04-12. Review status: criteria provided, single submitter. Criteria: Invitae Variant Classification Sherloc (09022015). Collection method: clinical testing. Allele origin: germline.
Comment: This sequence change replaces glycine, which is neutral and non-polar, with valine, which is neutral and non-polar, at codon 946 of the AARS protein (p.Gly946Val). This variant is not present in population databases (gnomAD no frequency). This variant has not been reported in the literature in individuals affected with AARS-related conditions. Advanced modeling of protein sequence and biophysical properties (such as structural, functional, and spatial information, amino acid conservation, physicochemical variation, residue mobility, and thermodynamic stability) performed at Invitae indicates that this missense variant is not expected to disrupt AARS protein function. Algorithms developed to predict the effect of sequence changes on RNA splicing suggest that this variant may create or strengthen a splice site. In summary, the available evidence is currently insufficient to determine the role of this variant in disease. Therefore, it has been classified as a Variant of Uncertain Significance.